The following is an entry in ClinVar:

NM_022841.7(RFX7):c.2453A>C (p.Lys818Thr)

Gene: RFX7 (regulatory factor X7; minus strand). Cytogenetic location: 15q21.3.
Variant type: single nucleotide variant.
Coding change: c.2453A>C on transcript NM_022841.7 (MANE Select); coding-DNA position 2453, A replaced by C.
Protein change: p.Lys818Thr; replaces lysine 818 with threonine.
Molecular consequence: missense variant.
Genome position (GRCh38, 1-based): chr15:56,095,275, T>G on the plus strand (A>C on the coding strand, the complement: RFX7 is on the minus strand). VCF-style: chr15-56095275-T-G. GRCh37 (hg19) VCF-style: chr15-56387473-T-G.
Other names: c.2162A>C, p.Lys721Thr (NM_001370554.1, NM_001368073.2, NM_001368074.1); c.2453A>C, p.Lys818Thr (NM_001370561.1); short protein forms K721T, K818T.
Identifiers: ClinVar variation 4689353 (VCV004689353.1).

ClinVar aggregate classification (germline): Uncertain significance (1 of 4 stars; one submission).

gnomAD v4.1: 5 of 1,613,948 alleles (0.00031%); highest among the groups gnomAD compares: Non-Finnish European, 0.00042%; no homozygotes.

Submission:

Women's Health and Genetics/Laboratory Corporation of America, LabCorp
Classification: Uncertain significance. Last evaluated: 2026-01-27. Review status: criteria provided, single submitter. Criteria: LabCorp Variant Classification Summary - May 2015. Collection method: clinical testing. Allele origin: germline.
Comment: Variant summary: RFX7 c.2453A>C (p.Lys818Thr) results in a non-conservative amino acid change in the encoded protein sequence. Algorithms developed to predict the effect of missense changes on protein structure and function are either unavailable or do not agree on the potential impact of this missense change. The variant allele was found at a frequency of 4e-06 in 248952 control chromosomes. The available data on variant occurrences in the general population are insufficient to allow any conclusion about variant significance. To our knowledge, no occurrence of c.2453A>C in individuals affected with RFX7-related conditions and no experimental evidence demonstrating its impact on protein function have been reported. No submitters have cited clinical-significance assessments for this variant to ClinVar. Based on the evidence outlined above, the variant was classified as uncertain significance.